The following is an entry in ClinVar:

NM_000416.3(IFNGR1):c.563T>C (p.Leu188Pro)

Gene: IFNGR1 (interferon gamma receptor 1; minus strand). Cytogenetic location: 6q23.3.
Variant type: single nucleotide variant.
Coding change: c.563T>C on transcript NM_000416.3 (MANE Select); coding-DNA position 563, T replaced by C.
Protein change: p.Leu188Pro; replaces leucine 188 with proline.
Molecular consequence: missense variant.
Genome position (GRCh38, 1-based): chr6:137,203,669, A>G on the plus strand (T>C on the coding strand, the complement: IFNGR1 is on the minus strand). VCF-style: chr6-137203669-A-G. GRCh37 (hg19) VCF-style: chr6-137524806-A-G.
Other names: c.533T>C, p.Leu178Pro (NM_001363526.1); c.440T>C, p.Leu147Pro (NM_001363527.1); short protein forms L178P, L188P, L147P.
Identifiers: ClinVar variation 1899640 (VCV001899640.5), dbSNP rs1464429240, ClinGen allele CA365775123.

ClinVar aggregate classification (germline): Uncertain significance (1 of 4 stars; one submission).

Conditions:
Disseminated atypical mycobacterial infection. Identifiers: MedGen C0694566.

Allele frequency attached by ClinVar (database versions not stated): gnomAD exomes 0.00001.
gnomAD v4.1: 6 of 1,613,160 alleles (0.00037%); highest among the groups gnomAD compares: Non-Finnish European, 0.00051%; no homozygotes.

Submission:

Labcorp Genetics (formerly Invitae), Labcorp
Classification: Uncertain significance for Disseminated atypical mycobacterial infection. Last evaluated: 2022-04-06. Review status: criteria provided, single submitter. Criteria: Invitae Variant Classification Sherloc (09022015). Collection method: clinical testing. Allele origin: germline.
Comment: This sequence change replaces leucine, which is neutral and non-polar, with proline, which is neutral and non-polar, at codon 188 of the IFNGR1 protein (p.Leu188Pro). This variant is present in population databases (no rsID available, gnomAD 0.0009%). This variant has not been reported in the literature in individuals affected with IFNGR1-related conditions. Algorithms developed to predict the effect of missense changes on protein structure and function (SIFT, PolyPhen-2, Align-GVGD) all suggest that this variant is likely to be tolerated. In summary, the available evidence is currently insufficient to determine the role of this variant in disease. Therefore, it has been classified as a Variant of Uncertain Significance.